The following is an entry in ClinVar:

NM_001943.5(DSG2):c.2780C>T (p.Pro927Leu)

Genes: DSG2 (desmoglein 2; plus strand), DSG2-AS1 (DSG2 antisense RNA 1; minus strand). Cytogenetic location: 18q12.1.
Variant type: single nucleotide variant.
Coding change: c.2780C>T on transcript NM_001943.5 (MANE Select); coding-DNA position 2780, C replaced by T.
Protein change: p.Pro927Leu; replaces proline 927 with leucine.
Molecular consequence: missense variant.
Genome position (GRCh38, 1-based): chr18:31,546,166, C>T. VCF-style: chr18-31546166-C-T. GRCh37 (hg19) VCF-style: chr18-29126129-C-T.
Other names: p.P927L:CCA>CTA; c.2780C>T (LRG_397t1); short protein forms P927L.
Identifiers: ClinVar variation 199819 (VCV000199819.23), dbSNP rs146402368, ClinGen allele CA021903.

ClinVar aggregate classification (germline): Conflicting classifications of pathogenicity. Review status: criteria provided, conflicting classifications (1 of 4 stars). 7 submissions from 7 submitters: Uncertain significance (3); Likely benign (4). Last evaluated 2026-01-20.

Conditions:
Cardiovascular phenotype. Identifiers: MedGen CN230736.
Cardiomyopathy (CMYO). Also called: Cardiomyopathies. Identifiers: Orphanet 167848, MedGen C0878544, MONDO:0004994, HP:0001638. Inheritance: Various modes of inheritance.
Arrhythmogenic right ventricular dysplasia 10. Also called: ARRHYTHMOGENIC RIGHT VENTRICULAR DYSPLASIA, FAMILIAL, 10; Arrhythmogenic right ventricular dysplasia/cardiomyopathy, type 10; Arrhythmogenic Right Ventricular Dysplasia/Cardiomyopathy10. Identifiers: MedGen C1857777, MONDO:0012434, OMIM 610193.

Allele frequency attached by ClinVar (database versions not stated): gnomAD 0.00005 and 0.00017; TOPMed 0.00008; gnomAD exomes 0.00019 and 0.00033; ExAC 0.00027; 1000 Genomes Project 30x 0.00031; 1000 Genomes Project 0.00040.

Submissions (7):

Labcorp Genetics (formerly Invitae), Labcorp
Classification: Likely benign for Arrhythmogenic right ventricular dysplasia 10. Last evaluated: 2026-01-20. Review status: criteria provided, single submitter. Criteria: Invitae Variant Classification Sherloc (09022015). Collection method: clinical testing. Allele origin: germline.

Women's Health and Genetics/Laboratory Corporation of America, LabCorp
Classification: Likely benign. Last evaluated: 2024-09-04. Review status: criteria provided, single submitter. Criteria: LabCorp Variant Classification Summary - May 2015. Collection method: clinical testing. Allele origin: germline.
Comment: Variant summary: DSG2 c.2780C>T (p.Pro927Leu) results in a non-conservative amino acid change in the encoded protein sequence. Three of five in-silico tools predict a damaging effect of the variant on protein function. The variant allele was found at a frequency of 0.00031 in 1614110 control chromosomes, predominantly at a frequency of 0.011 within the East Asian subpopulation in the gnomAD database, including 2 homozygotes. The observed variant frequency within East Asian control individuals in the gnomAD database is approximately 44 fold of the estimated maximal expected allele frequency for a pathogenic variant in DSG2 causing Arrhythmogenic Right Ventricular Dysplasia/Cardiomyopathy phenotype (0.00025). ClinVar contains an entry for this variant (Variation ID: 199819). Based on the evidence outlined above, the variant was classified as likely benign.

Blueprint Genetics
Classification: Uncertain significance. Last evaluated: 2024-04-18. Review status: criteria provided, single submitter. Criteria: ACMG Guidelines, 2015. Collection method: clinical testing. Allele origin: germline.

Illumina Laboratory Services, Illumina
Classification: Uncertain significance for Arrhythmogenic right ventricular dysplasia 10. Last evaluated: 2019-07-23. Review status: criteria provided, single submitter. Criteria: ICSL Variant Classification Criteria 13 December 2019. Collection method: clinical testing. Allele origin: germline.
Comment: This variant was observed as part of a predisposition screen in an ostensibly healthy population. A literature search was performed for the gene, cDNA change, and amino acid change (where applicable). Publications were found based on this search. However, the evidence from the literature, in combination with allele frequency data from public databases where available, was not sufficient to rule this variant in or out of causing disease. Therefore, this variant is classified as a variant of unknown significance.

Ambry Genetics
Classification: Likely benign for Cardiovascular phenotype. Last evaluated: 2019-01-14. Review status: criteria provided, single submitter. Criteria: Ambry Variant Classification Scheme 2023. Collection method: clinical testing. Allele origin: germline.

Color Diagnostics, LLC DBA Color Health
Classification: Likely benign for Cardiomyopathy. Last evaluated: 2018-11-16. Review status: criteria provided, single submitter. Criteria: ACMG Guidelines, 2015. Collection method: clinical testing. Allele origin: germline.

GeneDx
Classification: Uncertain significance. Last evaluated: 2018-02-26. Review status: criteria provided, single submitter. Criteria: GeneDx Variant Classification (06012015). Collection method: clinical testing. Allele origin: germline. Affected: yes.
Comment: The P927L variant has been reported in one patient with sudden arrhythmogenic death syndrome (Hata et al., 2016). Ohno et al. (2013) reported this variant in one patient with a possible diagnosis of ARVC and in a patient with a definitive diagnosis of ARVC; however, the latter patient also harbored a nonsense variant in the PKP2 gene. The P927L variant is a semi-conservative amino acid substitution, which may impact secondary protein structure as these residues differ in some properties. In silico analysis, which includes protein predictors and evolutionary conservation, supports a deleterious effect. Nevertheless, this variant is observed in the Exome Aggregation Consortium (ExAC) data set in 49/17240 (0.28%) alleles from individuals of East Asian ancestry, suggesting it may be a benign variant (Lek et al., 2016).

Literature cited by the submitters: PubMed 23514727 (cited by Illumina Laboratory Services, Illumina and Ambry Genetics); PubMed 27005929 (cited by Ambry Genetics); PubMed 29178656 (cited by Ambry Genetics); PubMed 29802319 (cited by Ambry Genetics).